The following is an entry in ClinVar:

ClinVar aggregate classification (germline): Uncertain significance (1 of 4 stars; one submission).

Conditions:
Multiple gastrointestinal atresias. Also called: FAMILIAL INTESTINAL POLYATRESIA SYNDROME; Multiple intestinal atresia. Identifiers: Orphanet 2300, MedGen C0220744, MONDO:0009465.

Allele frequency attached by ClinVar (database versions not stated): gnomAD exomes below 0.00001; TOPMed 0.00001.
gnomAD v4.1: 1 of 1,614,074 alleles (0.000062%); highest among the groups gnomAD compares: Non-Finnish European, 0.000085%; no homozygotes.

Submission:

Labcorp Genetics (formerly Invitae), Labcorp
Classification: Uncertain significance for Multiple gastrointestinal atresias. Last evaluated: 2019-03-22. Review status: criteria provided, single submitter. Criteria: Invitae Variant Classification Sherloc (09022015). Collection method: clinical testing. Allele origin: germline.
Comment: In summary, the available evidence is currently insufficient to determine the role of this variant in disease. Therefore, it has been classified as a Variant of Uncertain Significance. Algorithms developed to predict the effect of missense changes on protein structure and function output the following: SIFT: "Tolerated"; PolyPhen-2: "Benign"; Align-GVGD: "Class C0". The aspartic acid amino acid residue is found in multiple mammalian species, suggesting that this missense change does not adversely affect protein function. These predictions have not been confirmed by published functional studies and their clinical significance is uncertain. This variant has not been reported in the literature in individuals with TTC7A-related conditions. This variant is not present in population databases (ExAC no frequency). This sequence change replaces glutamic acid with aspartic acid at codon 316 of the TTC7A protein (p.Glu316Asp). The glutamic acid residue is weakly conserved and there is a small physicochemical difference between glutamic acid and aspartic acid.

NM_020458.4(TTC7A):c.948G>T (p.Glu316Asp)

Gene: TTC7A (tetratricopeptide repeat domain 7A; plus strand). Cytogenetic location: 2p21.
Variant type: single nucleotide variant.
Coding change: c.948G>T on transcript NM_020458.4 (MANE Select); coding-DNA position 948, G replaced by T.
Protein change: p.Glu316Asp; replaces glutamic acid 316 with aspartic acid.
Molecular consequence: missense variant. On other transcripts: intron variant (1).
Genome position (GRCh38, 1-based): chr2:46,994,461, G>T. VCF-style: chr2-46994461-G-T. GRCh37 (hg19) VCF-style: chr2-47221600-G-T.
Other names: c.948G>T, p.Glu316Asp (NM_001288951.2); c.846G>T, p.Glu282Asp (NM_001288953.2); c.-61-675G>T (NM_001288955.2); short protein forms E282D, E316D.
Identifiers: ClinVar variation 853746 (VCV000853746.8), dbSNP rs1432944956, ClinGen allele CA346713518.